The following is an entry in ClinVar:

ClinVar aggregate classification (germline): Uncertain significance. Review status: criteria provided, multiple submitters, no conflicts (2 of 4 stars). 2 submissions from 2 submitters: Uncertain significance (2). Last evaluated 2025-09-02.

Conditions:
Inborn genetic diseases. Identifiers: MedGen C0950123, MeSH D030342.
Townes syndrome (TBS). Also called: Townes-Brocks syndrome. Identifiers: Orphanet 857, MedGen C0265246, MeSH C536974, MONDO:0007142.

Allele frequency attached by ClinVar (database versions not stated): TOPMed 0.00003; gnomAD exomes 0.00001; ExAC 0.00001; gnomAD 0.00001.
gnomAD v4.1: 20 of 1,613,094 alleles (0.0012%); highest among the groups gnomAD compares: Non-Finnish European, 0.0016%; no homozygotes.

Submissions (2):

Labcorp Genetics (formerly Invitae), Labcorp
Classification: Uncertain significance for Townes syndrome. Last evaluated: 2025-09-02. Review status: criteria provided, single submitter. Criteria: Invitae Variant Classification Sherloc (09022015). Collection method: clinical testing. Allele origin: germline.
Comment: This sequence change replaces serine, which is neutral and polar, with arginine, which is basic and polar, at codon 143 of the SALL1 protein (p.Ser143Arg). This variant is present in population databases (rs762993402, gnomAD 0.004%). This variant has not been reported in the literature in individuals affected with SALL1-related conditions. ClinVar contains an entry for this variant (Variation ID: 2539438). An algorithm developed to predict the effect of missense changes on protein structure and function (PolyPhen-2) suggests that this variant is likely to be tolerated. In summary, the available evidence is currently insufficient to determine the role of this variant in disease. Therefore, it has been classified as a Variant of Uncertain Significance.

Ambry Genetics
Classification: Uncertain significance for Inborn genetic diseases. Last evaluated: 2025-08-24. Review status: criteria provided, single submitter. Criteria: Ambry Variant Classification Scheme 2023. Collection method: clinical testing. Allele origin: germline.

NM_002968.3(SALL1):c.429C>G (p.Ser143Arg)

Gene: SALL1 (spalt like transcription factor 1; minus strand). Cytogenetic location: 16q12.1.
Variant type: single nucleotide variant.
Coding change: c.429C>G on transcript NM_002968.3 (MANE Select); coding-DNA position 429, C replaced by G.
Protein change: p.Ser143Arg; replaces serine 143 with arginine.
Molecular consequence: missense variant.
Genome position (GRCh38, 1-based): chr16:51,141,793, G>C on the plus strand (C>G on the coding strand, the complement: SALL1 is on the minus strand). VCF-style: chr16-51141793-G-C. GRCh37 (hg19) VCF-style: chr16-51175704-G-C.
Other names: c.138C>G, p.Ser46Arg (NM_001127892.2); short protein forms S46R, S143R.
Identifiers: ClinVar variation 2539438 (VCV002539438.6), dbSNP rs762993402, ClinGen allele CA8053483.